The following is an entry in ClinVar:

NM_130468.4(CHST14):c.638G>C (p.Arg213Pro)

Gene: CHST14 (carbohydrate sulfotransferase 14; plus strand). Cytogenetic location: 15q15.1.
Variant type: single nucleotide variant.
Coding change: c.638G>C on transcript NM_130468.4 (MANE Select); coding-DNA position 638, G replaced by C.
Protein change: p.Arg213Pro; replaces arginine 213 with proline.
Molecular consequence: missense variant.
Genome position (GRCh38, 1-based): chr15:40,471,851, G>C. VCF-style: chr15-40471851-G-C. GRCh37 (hg19) VCF-style: chr15-40764050-G-C.
Other names: short protein forms R213P.
Identifiers: ClinVar variation 2337 (VCV000002337.7), dbSNP rs121908257, ClinGen allele CA281522.

ClinVar aggregate classification (germline): Likely pathogenic. Review status: criteria provided, multiple submitters, no conflicts (2 of 4 stars). 4 submissions from 4 submitters: Likely pathogenic (2). 2 of the submissions do not count toward it. Last evaluated 2024-11-21.

Conditions:
CHST14-related disorder. Also called: CHST14-related condition.
Ehlers-Danlos syndrome, musculocontractural type 1. Identifiers: MedGen CN295219, MONDO:0020681, OMIM 601776.
Ehlers-Danlos syndrome, musculocontractural type (EDSMC). Also called: Adducted thumb, clubfoot, progressive joint and skin laxity syndrome; ADDUCTED THUMB-CLUBFOOT SYNDROME; ARTHROGRYPOSIS, DISTAL, WITH PECULIAR FACIES AND HYDRONEPHROSIS; DUNDAR SYNDROME. Identifiers: Orphanet 2953, MedGen C1866294, MONDO:0011142.

Allele frequency attached by ClinVar (database versions not stated): gnomAD 0.00001; gnomAD exomes 0.00001 and 0.00003; TOPMed 0.00001; ExAC 0.00002.

Submissions (4):

Labcorp Genetics (formerly Invitae), Labcorp
Classification: Likely pathogenic for Ehlers-Danlos syndrome, musculocontractural type. Last evaluated: 2024-11-21. Review status: criteria provided, single submitter. Criteria: Invitae Variant Classification Sherloc (09022015). Collection method: clinical testing. Allele origin: germline.
Comment: This sequence change replaces arginine, which is basic and polar, with proline, which is neutral and non-polar, at codon 213 of the CHST14 protein (p.Arg213Pro). This variant is present in population databases (rs121908257, gnomAD 0.05%). This missense change has been observed in individual(s) with clinical features of CHST14-related conditions (PMID: 20004762, 26373698, 34815299). ClinVar contains an entry for this variant (Variation ID: 2337). Invitae Evidence Modeling of protein sequence and biophysical properties (such as structural, functional, and spatial information, amino acid conservation, physicochemical variation, residue mobility, and thermodynamic stability) indicates that this missense variant is expected to disrupt CHST14 protein function with a positive predictive value of 80%. Experimental studies have shown that this missense change affects CHST14 function (PMID: 20004762). In summary, the currently available evidence indicates that the variant is pathogenic, but additional data are needed to prove that conclusively. Therefore, this variant has been classified as Likely Pathogenic.

Blueprint Genetics
Classification: Likely pathogenic for CHST14-related disorders. Last evaluated: 2024-05-02. Review status: criteria provided, single submitter. Criteria: ACMG Guidelines, 2015. Collection method: clinical testing. Allele origin: germline. Affected: yes. Observed: 2 variant alleles.

OMIM
Classification: Pathogenic for EHLERS-DANLOS SYNDROME, MUSCULOCONTRACTURAL TYPE, 1. Last evaluated: 2009-12-01. Review status: no assertion criteria provided. Collection method: literature only. Allele origin: germline. Not counted in ClinVar's aggregate classification.

UniProtKB/Swiss-Prot
No classification provided. Condition: Ehlers-Danlos syndrome, musculocontractural type. Review status: no classification provided. Collection method: not provided. Allele origin: not provided. Not counted in ClinVar's aggregate classification.

Literature cited by the submitters: PubMed 20004762 (cited by Labcorp Genetics (formerly Invitae), Labcorp and OMIM); PubMed 26373698 (cited by Labcorp Genetics (formerly Invitae), Labcorp and OMIM); PubMed 34815299 (cited by Labcorp Genetics (formerly Invitae), Labcorp); PubMed 11370633 (cited by OMIM).